The following is an entry in ClinVar:

ClinVar aggregate classification (germline): Uncertain significance (1 of 4 stars; one submission).

Conditions:
Inborn genetic diseases. Identifiers: MedGen C0950123, MeSH D030342.

Submission:

Ambry Genetics
Classification: Uncertain significance for Inborn genetic diseases. Last evaluated: 2025-07-14. Review status: criteria provided, single submitter. Criteria: Ambry Variant Classification Scheme 2023. Collection method: clinical testing. Allele origin: germline.
Comment: The p.I290M variant (also known as c.870A>G), located in coding exon 6 of the KDM1A gene, results from an A to G substitution at nucleotide position 870. The isoleucine at codon 290 is replaced by methionine, an amino acid with highly similar properties. This amino acid position is conserved. In addition, this alteration is predicted to be tolerated by in silico analysis. Based on the available evidence, the clinical significance of this variant remains unclear.

NM_001009999.3(KDM1A):c.870A>G (p.Ile290Met)

Gene: KDM1A (lysine demethylase 1A; plus strand). Cytogenetic location: 1p36.12.
Variant type: single nucleotide variant.
Coding change: c.870A>G on transcript NM_001009999.3 (MANE Select); coding-DNA position 870, A replaced by G.
Protein change: p.Ile290Met; replaces isoleucine 290 with methionine.
Molecular consequence: missense variant.
Genome position (GRCh38, 1-based): chr1:23,055,148, A>G. VCF-style: chr1-23055148-A-G. GRCh37 (hg19) VCF-style: chr1-23381641-A-G.
Other names: c.810A>G, p.Ile270Met (NM_001363654.2, NM_001410763.1, NM_015013.4); c.870A>G, p.Ile290Met (NM_001410762.1); short protein forms I270M, I290M.
Identifiers: ClinVar variation 4091061 (VCV004091061.1).